The following is an entry in ClinVar:

ClinVar aggregate classification (germline): Benign (0 of 4 stars; one submission).

Conditions:
KRT3-related disorder. Also called: KRT3-related condition.

Allele frequency attached by ClinVar (database versions not stated): TOPMed 0.00001; gnomAD 0.00010; ExAC 0.00107.
gnomAD v4.1: 424 of 1,593,176 alleles (0.027%); highest among the groups gnomAD compares: South Asian, 0.48%; 7 homozygotes.

Submission:

PreventionGenetics, part of Exact Sciences
Classification: Benign for KRT3-related condition. Last evaluated: 2019-06-07. Review status: no assertion criteria provided. Collection method: clinical testing. Allele origin: germline.
Comment: This variant is classified as benign based on ACMG/AMP sequence variant interpretation guidelines (Richards et al. 2015 PMID: 25741868, with internal and published modifications).

NM_057088.3(KRT3):c.1571-5C>G

Gene: KRT3 (keratin 3; minus strand). Cytogenetic location: 12q13.13.
Variant type: single nucleotide variant.
Coding change: c.1571-5C>G on transcript NM_057088.3 (MANE Select); 5 bases into the intron before coding-DNA position 1571, C replaced by G.
Molecular consequence: intron variant.
Genome position (GRCh38, 1-based): chr12:52,790,363, G>C on the plus strand (C>G on the coding strand, the complement: KRT3 is on the minus strand). VCF-style: chr12-52790363-G-C. GRCh37 (hg19) VCF-style: chr12-53184147-G-C.
Identifiers: ClinVar variation 3044013 (VCV003044013.2), dbSNP rs774366899, ClinGen allele CA6587814.